The following is an entry in ClinVar:

NM_000083.3(CLCN1):c.1687G>A (p.Val563Ile)

Gene: CLCN1 (chloride voltage-gated channel 1; plus strand). Cytogenetic location: 7q34.
Variant type: single nucleotide variant.
Coding change: c.1687G>A on transcript NM_000083.3 (MANE Select); coding-DNA position 1687, G replaced by A.
Protein change: p.Val563Ile; replaces valine 563 with isoleucine.
Molecular consequence: missense variant. On other transcripts: non-coding transcript variant (1).
Genome position (GRCh38, 1-based): chr7:143,342,033, G>A. VCF-style: chr7-143342033-G-A. GRCh37 (hg19) VCF-style: chr7-143039126-G-A.
Other names: short protein forms V563I.
Identifiers: ClinVar variation 3907206 (VCV003907206.1).
Genomic context (GRCh38, chr7:143,342,033, plus strand): 5'-GCTGTGATTTGCTTCGAATTAACGGGTCAGATTGCTCACATCCTGCCCATGATGGTGGCT[G>A]TTATCTTGGCCAACATGGTGGCCCAGAGCCTGCAGCCCTCTCTCTATGACAGCATCATCC-3'
Protein context (NP_000074.3, residues 553-573): IAHILPMMVA[Val563Ile]ILANMVAQSL

ClinVar aggregate classification (germline): Uncertain significance (1 of 4 stars; one submission).

gnomAD v4.1: 1 of 1,614,180 alleles (0.000062%); highest among the groups gnomAD compares: Middle Eastern, 0.016%; no homozygotes.

Submission:

Women's Health and Genetics/Laboratory Corporation of America, LabCorp
Classification: Uncertain significance. Last evaluated: 2025-06-11. Review status: criteria provided, single submitter. Criteria: LabCorp Variant Classification Summary - May 2015. Collection method: clinical testing. Allele origin: germline.
Comment: Variant summary: CLCN1 c.1687G>A (p.Val563Ile) results in a conservative amino acid change in the encoded protein sequence. Algorithms developed to predict the effect of missense changes on protein structure and function are either unavailable or do not agree on the potential impact of this missense change. The variant was absent in 251066 control chromosomes. c.1687G>A has been observed in a homozygous individual affected with Autosomal Recessive Myotonia congenita (Sangiuolo_1998). These data indicate that the variant may be associated with disease. To our knowledge, no experimental evidence demonstrating an impact on protein function has been reported. The following publication have been ascertained in the context of this evaluation (PMID: 10215406). No submitters have cited clinical-significance assessments for this variant to ClinVar. Based on the evidence outlined above, the variant was classified as VUS-possibly pathogenic.

Literature cited by the submitters: PubMed 10215406.